The following is an entry in ClinVar:

ClinVar aggregate classification (germline): Uncertain significance. Review status: criteria provided, multiple submitters, no conflicts (2 of 4 stars). 3 submissions from 3 submitters: Uncertain significance (3). Last evaluated 2025-07-07.

Conditions:
Hereditary cancer-predisposing syndrome. Also called: Tumor predisposition; Hereditary Cancer Syndrome; Hereditary neoplastic syndrome; Neoplastic Syndromes, Hereditary. Identifiers: Orphanet 140162, MedGen C0027672, MeSH D009386, MONDO:0015356.
Hereditary pheochromocytoma and paraganglioma. Also called: Hereditary paragangliomas and pheochromocytomas; Hereditary Paraganglioma-Pheochromocytoma Syndromes; Hereditary pheochromocytoma-paraganglioma. Identifiers: Orphanet 29072, MedGen C4274332, MONDO:0017366.
Cowden syndrome 3 (CWS3). Identifiers: Orphanet 201, MedGen CN166604, MONDO:0014045.
Pheochromocytoma. Also called: MAX-Related Hereditary Paraganglioma-Pheochromocytoma Syndrome. Identifiers: Orphanet 29072, MedGen C0031511, MONDO:0008233, OMIM 171300, HP:0002666.
Paragangliomas with sensorineural hearing loss. Identifiers: MedGen C1868633.
Carney-Stratakis syndrome. Also called: PARAGANGLIOMA AND GASTROINTESTINAL STROMAL TUMOR. Identifiers: Orphanet 97286, MedGen C1847319, MONDO:0011740, OMIM 606864.

Submissions (3):

Labcorp Genetics (formerly Invitae), Labcorp
Classification: Uncertain significance for Carney-Stratakis syndrome; Paragangliomas with sensorineural hearing loss; Pheochromocytoma; Cowden syndrome 3. Last evaluated: 2025-07-07. Review status: criteria provided, single submitter. Criteria: Invitae Variant Classification Sherloc (09022015). Collection method: clinical testing. Allele origin: germline.
Comment: This sequence change replaces glycine, which is neutral and non-polar, with arginine, which is basic and polar, at codon 103 of the SDHD protein (p.Gly103Arg). This variant is not present in population databases (gnomAD no frequency). This variant has not been reported in the literature in individuals affected with SDHD-related conditions. ClinVar contains an entry for this variant (Variation ID: 2118541). Invitae Evidence Modeling of protein sequence and biophysical properties (such as structural, functional, and spatial information, amino acid conservation, physicochemical variation, residue mobility, and thermodynamic stability) indicates that this missense variant is expected to disrupt SDHD protein function with a positive predictive value of 95%. In summary, the available evidence is currently insufficient to determine the role of this variant in disease. Therefore, it has been classified as a Variant of Uncertain Significance.

Ambry Genetics
Classification: Uncertain significance for Hereditary cancer-predisposing syndrome. Last evaluated: 2025-03-02. Review status: criteria provided, single submitter. Criteria: Ambry Variant Classification Scheme 2023. Collection method: clinical testing. Allele origin: germline.
Comment: The p.G103R variant (also known as c.307G>C), located in coding exon 3 of the SDHD gene, results from a G to C substitution at nucleotide position 307. The glycine at codon 103 is replaced by arginine, an amino acid with dissimilar properties. This amino acid position is conserved. In addition, this alteration is predicted to be deleterious by in silico analysis. Based on the available evidence, the clinical significance of this variant remains unclear.

All of Us Research Program, National Institutes of Health
Classification: Uncertain significance for Hereditary pheochromocytoma and paraganglioma. Last evaluated: 2023-05-08. Review status: criteria provided, single submitter. Criteria: ACMG Guidelines, 2015. Collection method: clinical testing. Allele origin: germline. Inheritance: Autosomal dominant inheritance. Observed: 1 variant allele, 1 heterozygote.
Comment: This study involves interpretation of variants in research participants for the purpose of population health screening. Participant phenotype was not available at the time of variant classification. Additional details can be found in publication PMID: 35346344, PMCID: PMC8962531

NM_003002.4(SDHD):c.307G>C (p.Gly103Arg)

Gene: SDHD (succinate dehydrogenase complex subunit D; plus strand). Cytogenetic location: 11q23.1.
Variant type: single nucleotide variant.
Coding change: c.307G>C on transcript NM_003002.4 (MANE Select); coding-DNA position 307, G replaced by C.
Protein change: p.Gly103Arg; replaces glycine 103 with arginine.
Molecular consequence: missense variant. On other transcripts: non-coding transcript variant (1), intron variant (1).
Genome position (GRCh38, 1-based): chr11:112,089,004, G>C. VCF-style: chr11-112089004-G-C. GRCh37 (hg19) VCF-style: chr11-111959728-G-C.
Other names: c.190G>C, p.Gly64Arg (NM_001276504.2); c.307G>C, p.Gly103Arg (NM_001276506.2); c.169+1031G>C (NM_001276503.2); c.307G>C (NM_003002.2); short protein forms G103R, G64R.
Identifiers: ClinVar variation 2118541 (VCV002118541.5), dbSNP rs1865693509, ClinGen allele CA382617418.